The following is an entry in ClinVar:

ClinVar aggregate classification (germline): Conflicting classifications of pathogenicity. Review status: criteria provided, conflicting classifications (1 of 4 stars). 2 submissions from 2 submitters: Uncertain significance (1); Likely benign (1). Last evaluated 2025-12-15.

Allele frequency attached by ClinVar (database versions not stated): gnomAD 0.00004; gnomAD exomes 0.00012 and 0.00028; TOPMed 0.00013; ExAC 0.00022.
gnomAD v4.1: 77 of 1,613,268 alleles (0.0048%); highest among the groups gnomAD compares: Admixed American, 0.13%; 1 homozygote.

Submissions (2):

Labcorp Genetics (formerly Invitae), Labcorp
Classification: Likely benign. Last evaluated: 2025-12-15. Review status: criteria provided, single submitter. Criteria: Invitae Variant Classification Sherloc (09022015). Collection method: clinical testing. Allele origin: germline.

GeneDx
Classification: Uncertain significance. Last evaluated: 2022-03-08. Review status: criteria provided, single submitter. Criteria: GeneDx Variant Classification Process June 2021. Collection method: clinical testing. Allele origin: germline. Affected: yes.
Comment: In silico analysis supports that this missense variant does not alter protein structure/function; Has not been previously published as pathogenic or benign to our knowledge

NM_000338.3(SLC12A1):c.2278G>A (p.Val760Ile)

Gene: SLC12A1 (solute carrier family 12 member 1; plus strand). Cytogenetic location: 15q21.1.
Variant type: single nucleotide variant.
Coding change: c.2278G>A on transcript NM_000338.3 (MANE Select); coding-DNA position 2278, G replaced by A.
Protein change: p.Val760Ile; replaces valine 760 with isoleucine.
Molecular consequence: missense variant.
Genome position (GRCh38, 1-based): chr15:48,267,684, G>A. VCF-style: chr15-48267684-G-A. GRCh37 (hg19) VCF-style: chr15-48559881-G-A.
Other names: c.2278G>A, p.Val760Ile (NM_001184832.2); short protein forms V760I.
Identifiers: ClinVar variation 725345 (VCV000725345.10), dbSNP rs763036680, ClinGen allele CA7547333.
Genomic context (GRCh38, chr15:48,267,684, plus strand): 5'-ATAAAGAACAAAATCAAGGCTTTTTATGCTGCAGTGGCGGCAGACTGTTTCAGGGATGGT[G>A]TCCGAAGTCTTCTTCAGGTAAGGCTGCATTGAGGGAATGAGCACAGAGGCAAAAGACAAT-3'
Protein context (NP_000329.2, residues 750-770): AVAADCFRDG[Val760Ile]RSLLQASGLG